The following is an entry in ClinVar:

ClinVar aggregate classification (germline): Uncertain significance (1 of 4 stars; one submission).

Conditions:
Hypertrophic cardiomyopathy. Also called: HYPERTROPHIC MYOCARDIOPATHY. Identifiers: Orphanet 217569, MedGen C0007194, MeSH D002312, MONDO:0005045, HP:0001639.

Allele frequency attached by ClinVar (database versions not stated): gnomAD exomes below 0.00001; TOPMed below 0.00001.
gnomAD v4.1: 1 of 1,613,668 alleles (0.000062%); highest among the groups gnomAD compares: East Asian, 0.0022%; no homozygotes.

Submission:

Labcorp Genetics (formerly Invitae), Labcorp
Classification: Uncertain significance for Hypertrophic cardiomyopathy. Last evaluated: 2024-10-17. Review status: criteria provided, single submitter. Criteria: Invitae Variant Classification Sherloc (09022015). Collection method: clinical testing. Allele origin: germline.
Comment: This sequence change replaces proline, which is neutral and non-polar, with serine, which is neutral and polar, at codon 980 of the MYOM1 protein (p.Pro980Ser). This variant is not present in population databases (gnomAD no frequency). This variant has not been reported in the literature in individuals affected with MYOM1-related conditions. ClinVar contains an entry for this variant (Variation ID: 2060606). An algorithm developed to predict the effect of missense changes on protein structure and function (PolyPhen-2) suggests that this variant is likely to be disruptive. In summary, the available evidence is currently insufficient to determine the role of this variant in disease. Therefore, it has been classified as a Variant of Uncertain Significance.

NM_003803.4(MYOM1):c.2938C>T (p.Pro980Ser)

Gene: MYOM1 (myomesin 1; minus strand). Cytogenetic location: 18p11.31.
Variant type: single nucleotide variant.
Coding change: c.2938C>T on transcript NM_003803.4 (MANE Select); coding-DNA position 2938, C replaced by T.
Protein change: p.Pro980Ser; replaces proline 980 with serine.
Molecular consequence: missense variant.
Genome position (GRCh38, 1-based): chr18:3,126,754, G>A on the plus strand (C>T on the coding strand, the complement: MYOM1 is on the minus strand). VCF-style: chr18-3126754-G-A. GRCh37 (hg19) VCF-style: chr18-3126752-G-A.
Other names: c.2650C>T, p.Pro884Ser (NM_019856.2); short protein forms P980S, P884S.
Identifiers: ClinVar variation 2060606 (VCV002060606.4), dbSNP rs1255937648, ClinGen allele CA401708424.